The following is an entry in ClinVar:

ClinVar aggregate classification (germline): Conflicting classifications of pathogenicity. Review status: criteria provided, conflicting classifications (1 of 4 stars). 2 submissions from 2 submitters: Uncertain significance (1); Likely benign (1). Last evaluated 2024-04-30.

Conditions:
Metachromatic leukodystrophy (MLD). Also called: SULFATIDE LIPIDOSIS; METACHROMATIC LEUKOENCEPHALOPATHY; ARSA DEFICIENCY; CEREBROSIDE SULFATASE DEFICIENCY; Arylsulfatase A Deficiency; Cerebral sclerosis diffuse metachromatic form. Identifiers: Orphanet 512, MedGen C0023522, MONDO:0018868, OMIM 250100.

Allele frequency attached by ClinVar (database versions not stated): gnomAD 0.00001; TOPMed 0.00002; ExAC 0.00003.
gnomAD v4.1: 28 of 1,603,256 alleles (0.0017%); highest among the groups gnomAD compares: African/African-American, 0.004%; no homozygotes.

Submissions (2):

Blueprint Genetics
Classification: Likely benign. Last evaluated: 2024-04-30. Review status: criteria provided, single submitter. Criteria: ACMG Guidelines, 2015. Collection method: clinical testing. Allele origin: germline.

Labcorp Genetics (formerly Invitae), Labcorp
Classification: Uncertain significance for Metachromatic leukodystrophy. Last evaluated: 2022-10-24. Review status: criteria provided, single submitter. Criteria: Invitae Variant Classification Sherloc (09022015). Collection method: clinical testing. Allele origin: germline.
Comment: This sequence change replaces alanine, which is neutral and non-polar, with threonine, which is neutral and polar, at codon 325 of the ARSA protein (p.Ala325Thr). This variant is present in population databases (rs747730785, gnomAD 0.009%). This variant has not been reported in the literature in individuals affected with ARSA-related conditions. Advanced modeling of protein sequence and biophysical properties (such as structural, functional, and spatial information, amino acid conservation, physicochemical variation, residue mobility, and thermodynamic stability) performed at Invitae indicates that this missense variant is not expected to disrupt ARSA protein function. In summary, the available evidence is currently insufficient to determine the role of this variant in disease. Therefore, it has been classified as a Variant of Uncertain Significance.

NM_000487.6(ARSA):c.973G>A (p.Ala325Thr)

Gene: ARSA (arylsulfatase A; minus strand). Cytogenetic location: 22q13.33.
Variant type: single nucleotide variant.
Coding change: c.973G>A on transcript NM_000487.6 (MANE Select); coding-DNA position 973, G replaced by A.
Protein change: p.Ala325Thr; replaces alanine 325 with threonine.
Molecular consequence: missense variant.
Genome position (GRCh38, 1-based): chr22:50,626,160, C>T on the plus strand (G>A on the coding strand, the complement: ARSA is on the minus strand). VCF-style: chr22-50626160-C-T. GRCh37 (hg19) VCF-style: chr22-51064588-C-T.
Other names: c.973G>A, p.Ala325Thr (NM_001085425.3, NM_001085426.3, NM_001085427.3); c.715G>A, p.Ala239Thr (NM_001085428.3, NM_001362782.2); short protein forms A239T, A325T.
Identifiers: ClinVar variation 2139341 (VCV002139341.5), dbSNP rs747730785, ClinGen allele CA10324864.